The following is an entry in ClinVar:

ClinVar aggregate classification (germline): Uncertain significance. Review status: criteria provided, multiple submitters, no conflicts (2 of 4 stars). 2 submissions from 2 submitters: Uncertain significance (2). Last evaluated 2025-08-28.

Conditions:
Borjeson-Forssman-Lehmann syndrome (BFLS). Also called: MENTAL RETARDATION, X-LINKED, SYNDROMIC, BORJESON-FORSSMAN-LEHMANN TYPE; MENTAL RETARDATION, EPILEPSY, AND ENDOCRINE DISORDERS; BORJESON SYNDROME. Identifiers: Orphanet 127, MedGen C0265339, MONDO:0010537, OMIM 301900.

Submissions (2):

Laboratorio de Genetica e Diagnostico Molecular, Hospital Israelita Albert Einstein
Classification: Uncertain significance for Borjeson-Forssman-Lehmann syndrome. Last evaluated: 2025-08-28. Review status: criteria provided, single submitter. Criteria: ACMG Guidelines, 2015. Collection method: clinical testing. Allele origin: germline. Affected: yes.
Comment: ACMG classification criteria: PM2 supporting, PM4 supporting

Labcorp Genetics (formerly Invitae), Labcorp
Classification: Uncertain significance for Borjeson-Forssman-Lehmann syndrome. Last evaluated: 2025-06-12. Review status: criteria provided, single submitter. Criteria: Invitae Variant Classification Sherloc (09022015). Collection method: clinical testing. Allele origin: germline.
Comment: This variant, c.766_768del, results in the deletion of 1 amino acid(s) of the PHF6 protein (p.Ser256del), but otherwise preserves the integrity of the reading frame. This variant is not present in population databases (gnomAD no frequency). This variant has not been reported in the literature in individuals affected with PHF6-related conditions. ClinVar contains an entry for this variant (Variation ID: 2833295). Experimental studies and prediction algorithms are not available or were not evaluated, and the functional significance of this variant is currently unknown. In summary, the available evidence is currently insufficient to determine the role of this variant in disease. Therefore, it has been classified as a Variant of Uncertain Significance.

NM_001015877.2(PHF6):c.766_768del (p.Ser256del)

Gene: PHF6 (PHD finger protein 6; plus strand). Cytogenetic location: Xq26.2.
Variant type: Deletion.
Coding change: c.766_768del on transcript NM_001015877.2 (MANE Select); coding-DNA positions 766 to 768, 3 bases deleted (TCA; older notation c.766_768delTCA).
Protein change: p.Ser256del; deletes serine 256.
Molecular consequence: inframe deletion.
Genome position (GRCh38, 1-based): chrX:134,415,052-134,415,054, TCA deleted; deleting any 3 consecutive bases within chrX:134,415,050-134,415,054 gives the same sequence; the c. name uses the placement nearest the transcript's 3' end. VCF-style (leftmost placement, unchanged base first): chrX-134415049-ACAT-A. GRCh37 (hg19) VCF-style: chrX-133549079-ACAT-A.
Other names: c.769_771del, p.Ser257del (NM_032335.3); c.766_768del, p.Ser256del (NM_032458.3); short protein forms S256del, S257del.
Identifiers: ClinVar variation 2833295 (VCV002833295.4), dbSNP rs2520636040, ClinGen allele CA2739273767.